The following is an entry in ClinVar:

ClinVar aggregate classification (germline): Uncertain significance (1 of 4 stars; one submission).

Conditions:
Inborn genetic diseases. Identifiers: MedGen C0950123, MeSH D030342.

gnomAD v4.1: 1 of 1,613,990 alleles (0.000062%); highest among the groups gnomAD compares: Non-Finnish European, 0.000085%; no homozygotes.

Submission:

Ambry Genetics
Classification: Uncertain significance for Inborn genetic diseases. Last evaluated: 2025-12-04. Review status: criteria provided, single submitter. Criteria: Ambry Variant Classification Scheme 2023. Collection method: clinical testing. Allele origin: germline.
Comment: The p.L1029V variant (also known as c.3085T>G), located in coding exon 14 of the FANCM gene, results from a T to G substitution at nucleotide position 3085. The leucine at codon 1029 is replaced by valine, an amino acid with highly similar properties. This amino acid position is conserved. In addition, this alteration is predicted to be tolerated by in silico analysis. Based on the available evidence, the clinical significance of this variant remains unclear.

NM_020937.4(FANCM):c.3085T>G (p.Leu1029Val)

Gene: FANCM (FA complementation group M; plus strand). Cytogenetic location: 14q21.2.
Variant type: single nucleotide variant.
Coding change: c.3085T>G on transcript NM_020937.4 (MANE Select); coding-DNA position 3085, T replaced by G.
Protein change: p.Leu1029Val; replaces leucine 1029 with valine.
Molecular consequence: missense variant.
Genome position (GRCh38, 1-based): chr14:45,175,839, T>G. VCF-style: chr14-45175839-T-G. GRCh37 (hg19) VCF-style: chr14-45645042-T-G.
Other names: c.3007T>G, p.Leu1003Val (NM_001308133.2); short protein forms L1003V, L1029V.
Identifiers: ClinVar variation 4619627 (VCV004619627.1).